The following is an entry in ClinVar:

NM_004438.5(EPHA4):c.2921C>T (p.Thr974Ile)

Genes: EPHA4 (EPH receptor A4; minus strand), LOC126806527 (BRD4-independent group 4 enhancer GRCh37_chr2:222289669-222290868; plus strand). Cytogenetic location: 2q36.1.
Variant type: single nucleotide variant.
Coding change: c.2921C>T on transcript NM_004438.5 (MANE Select); coding-DNA position 2921, C replaced by T.
Protein change: p.Thr974Ile; replaces threonine 974 with isoleucine.
Molecular consequence: missense variant. On other transcripts: 3 prime UTR variant (1).
Genome position (GRCh38, 1-based): chr2:221,426,068, G>A on the plus strand (C>T on the coding strand, the complement: EPHA4 is on the minus strand). VCF-style: chr2-221426068-G-A. GRCh37 (hg19) VCF-style: chr2-222290788-G-A.
Other names: c.2921C>T, p.Thr974Ile (NM_001304536.2); c.2768C>T, p.Thr923Ile (NM_001304537.2); c.*100C>T (NM_001363748.2); short protein forms T923I, T974I.
Identifiers: ClinVar variation 1466206 (VCV001466206.8), dbSNP rs141897098, ClinGen allele CA2134629.

ClinVar aggregate classification (germline): Uncertain significance (1 of 4 stars; one submission).

Allele frequency attached by ClinVar (database versions not stated): gnomAD 0.00006; TOPMed 0.00006; gnomAD exomes 0.00008 and 0.00010; ExAC 0.00012; ESP Exome Variant Server 0.00015.
gnomAD v4.1: 120 of 1,614,006 alleles (0.0074%); highest among the groups gnomAD compares: South Asian, 0.032%; no homozygotes.

Submission:

Labcorp Genetics (formerly Invitae), Labcorp
Classification: Uncertain significance. Last evaluated: 2025-12-08. Review status: criteria provided, single submitter. Criteria: Invitae Variant Classification Sherloc (09022015). Collection method: clinical testing. Allele origin: germline.
Comment: This sequence change replaces threonine, which is neutral and polar, with isoleucine, which is neutral and non-polar, at codon 974 of the EPHA4 protein (p.Thr974Ile). This variant is present in population databases (rs141897098, gnomAD 0.04%). This variant has not been reported in the literature in individuals affected with EPHA4-related conditions. ClinVar contains an entry for this variant (Variation ID: 1466206). An algorithm developed to predict the effect of missense changes on protein structure and function (PolyPhen-2) suggests that this variant is likely to be disruptive. In summary, the available evidence is currently insufficient to determine the role of this variant in disease. Therefore, it has been classified as a Variant of Uncertain Significance.